The following is an entry in ClinVar:

ClinVar aggregate classification (germline): Conflicting classifications of pathogenicity. Review status: criteria provided, conflicting classifications (1 of 4 stars). 2 submissions from 2 submitters: Uncertain significance (1); Likely benign (1). Last evaluated 2025-09-22.

Conditions:
Inborn genetic diseases. Identifiers: MedGen C0950123, MeSH D030342.
Joubert syndrome. Also called: JOUBERT-BOLTSHAUSER SYNDROME; Familial aplasia of the vermis. Identifiers: Orphanet 475, MedGen C5979921, MONDO:0018772.
Meckel-Gruber syndrome. Also called: DYSENCEPHALIA SPLANCHNOCYSTICA; GRUBER SYNDROME; Dysencephalia splachnocystica. Identifiers: Orphanet 564, MedGen C0265215, MONDO:0018921.

Allele frequency attached by ClinVar (database versions not stated): gnomAD 0.00001; TOPMed 0.00002; ExAC 0.00003; gnomAD exomes 0.00002; ESP Exome Variant Server 0.00008.
gnomAD v4.1: 30 of 1,612,196 alleles (0.0019%); highest among the groups gnomAD compares: South Asian, 0.0066%; no homozygotes.

Submissions (2):

Ambry Genetics
Classification: Likely benign for Inborn genetic diseases. Last evaluated: 2025-09-22. Review status: criteria provided, single submitter. Criteria: Ambry Variant Classification Scheme 2023. Collection method: clinical testing. Allele origin: germline.

Labcorp Genetics (formerly Invitae), Labcorp
Classification: Uncertain significance for Joubert syndrome; Meckel-Gruber syndrome. Last evaluated: 2022-09-27. Review status: criteria provided, single submitter. Criteria: Invitae Variant Classification Sherloc (09022015). Collection method: clinical testing. Allele origin: germline.
Comment: This sequence change replaces arginine, which is basic and polar, with histidine, which is basic and polar, at codon 1406 of the CC2D2A protein (p.Arg1406His). This variant is present in population databases (rs369001837, gnomAD 0.007%). This variant has not been reported in the literature in individuals affected with CC2D2A-related conditions. ClinVar contains an entry for this variant (Variation ID: 1490073). Advanced modeling of protein sequence and biophysical properties (such as structural, functional, and spatial information, amino acid conservation, physicochemical variation, residue mobility, and thermodynamic stability) performed at Invitae indicates that this missense variant is not expected to disrupt CC2D2A protein function. Algorithms developed to predict the effect of sequence changes on RNA splicing suggest that this variant may create or strengthen a splice site. In summary, the available evidence is currently insufficient to determine the role of this variant in disease. Therefore, it has been classified as a Variant of Uncertain Significance.

NM_001378615.1(CC2D2A):c.4217G>A (p.Arg1406His)

Genes: CC2D2A (coiled-coil and C2 domain containing 2A; plus strand), FBXL5 (F-box and leucine rich repeat protein 5; minus strand). Cytogenetic location: 4p15.32.
Variant type: single nucleotide variant.
Coding change: c.4217G>A on transcript NM_001378615.1 (MANE Select); coding-DNA position 4217, G replaced by A.
Protein change: p.Arg1406His; replaces arginine 1406 with histidine.
Molecular consequence: missense variant.
Genome position (GRCh38, 1-based): chr4:15,589,582, G>A. VCF-style: chr4-15589582-G-A. GRCh37 (hg19) VCF-style: chr4-15591205-G-A.
Other names: c.4217G>A, p.Arg1406His (NM_001080522.2); c.4070G>A, p.Arg1357His (NM_001378617.1); short protein forms R1406H, R1357H.
Identifiers: ClinVar variation 1490073 (VCV001490073.6), dbSNP rs369001837, ClinGen allele CA2864356.
Genomic context (GRCh38, chr4:15,589,582, plus strand): 5'-TTTTAATGGCCATCTTCTTTCAGGGTCCAACTGCCTATGTGCTAACTTGGGAGCAAGGTC[G>A]TTATTTAATATGGAATCCCTGCAGTGGACATTTTTATGGACAATTTGATACATTCTGTCC-3'
Protein context (NP_001365544.1, residues 1396-1416): TAYVLTWEQG[Arg1406His]YLIWNPCSGH